The following is an entry in ClinVar:

ClinVar aggregate classification (germline): Uncertain significance (1 of 4 stars; one submission).

Conditions:
Cardiovascular phenotype. Identifiers: MedGen CN230736.

Submission:

Ambry Genetics
Classification: Uncertain significance for Cardiovascular phenotype. Last evaluated: 2016-03-16. Review status: criteria provided, single submitter. Criteria: Ambry Variant Classification Scheme 2023. Collection method: clinical testing. Allele origin: germline.
Comment: The p.I172F variant (also known as c.514A>T), located in coding exon 5 of the TPM1 gene, results from an A to T substitution at nucleotide position 514. The isoleucine at codon 172 is replaced by phenylalanine, an amino acid with highly similar properties. Another alteration affecting the same amino acid (p.I172T, c.515T>C) has been previously reported in association with hypertrophic cardiomyopathy (Van Driest SL et al. Circulation. 2003;108(4):445-51). This variant was not reported in population based cohorts in the following databases: Database of Single Nucleotide Polymorphisms (dbSNP), NHLBI Exome Sequencing Project (ESP), and 1000 Genomes Project. In the ESP, this variant was not observed in 6503 samples (13006 alleles) with coverage at this position. This amino acid position is highly conserved in available vertebrate species. In addition, this alteration is predicted to be deleterious by in silico analysis. Since supporting evidence is limited at this time, the clinical significance of this alteration remains unclear.

Literature cited by the submitters: PubMed 12860912.

NM_001018005.2(TPM1):c.514A>T (p.Ile172Phe)

Gene: TPM1 (tropomyosin 1; plus strand). Cytogenetic location: 15q22.2.
Variant type: single nucleotide variant.
Coding change: c.514A>T on transcript NM_001018005.2 (MANE Select); coding-DNA position 514, A replaced by T.
Protein change: p.Ile172Phe; replaces isoleucine 172 with phenylalanine.
Molecular consequence: missense variant.
Genome position (GRCh38, 1-based): chr15:63,060,890, A>T. VCF-style: chr15-63060890-A-T. GRCh37 (hg19) VCF-style: chr15-63353089-A-T.
Other names: c.514A>T, p.Ile172Phe (NM_000366.6, NM_001018004.2, NM_001018006.2 and 6 more transcripts); c.406A>T, p.Ile136Phe (NM_001018008.2, NM_001301289.2, NM_001330344.2 and 5 more transcripts); c.640A>T, p.Ile214Phe (NM_001365778.1); short protein forms I172F, I136F, I214F.
Identifiers: ClinVar variation 520273 (VCV000520273.5), dbSNP rs760374266, ClinGen allele CA392723132.
Genomic context (GRCh38, chr15:63,060,890, plus strand): 5'-CAAGACCCATGGTGTGTGTGTTGTGTCTTCCTGCTGCAGGTGGCCCGTAAGCTGGTCATC[A>T]TTGAGAGCGACCTGGAACGTGCAGAGGAGCGGGCTGAGCTCTCAGAAGGGTAAGCGGGCC-3'
Protein context (NP_001018005.1, residues 162-182): YEEVARKLVI[Ile172Phe]ESDLERAEER